The following is an entry in ClinVar:

NM_007118.4(TRIO):c.2054C>T (p.Thr685Met)

Gene: TRIO (trio Rho guanine nucleotide exchange factor; plus strand). Cytogenetic location: 5p15.2.
Variant type: single nucleotide variant.
Coding change: c.2054C>T on transcript NM_007118.4 (MANE Select); coding-DNA position 2054, C replaced by T.
Protein change: p.Thr685Met; replaces threonine 685 with methionine.
Molecular consequence: missense variant. On other transcripts: non-coding transcript variant (1).
Genome position (GRCh38, 1-based): chr5:14,358,185, C>T. VCF-style: chr5-14358185-C-T. GRCh37 (hg19) VCF-style: chr5-14358294-C-T.
Other names: short protein forms T685M.
Identifiers: ClinVar variation 3033402 (VCV003033402.3), dbSNP rs760839749, ClinGen allele CA3205793.

ClinVar aggregate classification (germline): Likely benign. Review status: criteria provided, single submitter (1 of 4 stars). 2 submissions from 2 submitters: Likely benign (1). 1 of the submissions does not count toward it. Last evaluated 2026-09-01.

Conditions:
TRIO-related disorder. Also called: TRIO-related condition; TRIO-related disorders.

Allele frequency attached by ClinVar (database versions not stated): gnomAD 0.00002; gnomAD exomes 0.00003; TOPMed 0.00004; ExAC 0.00007.
gnomAD v4.1: 48 of 1,612,154 alleles (0.003%); highest among the groups gnomAD compares: Admixed American, 0.037%; no homozygotes.

Submissions (2):

CeGaT Center for Human Genetics Tuebingen
Classification: Likely benign. Last evaluated: 2026-09-01. Review status: criteria provided, single submitter. Criteria: CeGaT Center For Human Genetics Tuebingen Variant Classification Criteria Version 2. Collection method: clinical testing. Allele origin: germline. Affected: yes. Observed: 1 variant allele.
Comment: TRIO: PP2, BS1

PreventionGenetics, part of Exact Sciences
Classification: Likely benign for TRIO-related condition. Last evaluated: 2023-12-05. Review status: no assertion criteria provided. Collection method: clinical testing. Allele origin: germline. Not counted in ClinVar's aggregate classification.
Comment: This variant is classified as likely benign based on ACMG/AMP sequence variant interpretation guidelines (Richards et al. 2015 PMID: 25741868, with internal and published modifications).